The following is an entry in ClinVar:

ClinVar aggregate classification (germline): Uncertain significance. Review status: criteria provided, multiple submitters, no conflicts (2 of 4 stars). 2 submissions from 2 submitters: Uncertain significance (2). Last evaluated 2026-07-29.

Conditions:
EPPK1-related disorder. Also called: EPPK1-related condition.

Submissions (2):

PreventionGenetics, part of Exact Sciences
Classification: Uncertain significance for EPPK1-related condition. Last evaluated: 2026-07-29. Review status: criteria provided, single submitter. Criteria: ACMG Guidelines, 2015. Collection method: clinical testing. Allele origin: germline.
Comment: The EPPK1 c.80C>T variant is predicted to result in the amino acid substitution p.Ala27Val. To our knowledge, this variant has not been reported in the literature or in a large population database (gnomAD), indicating this variant is rare. At this time, the clinical significance of this variant is uncertain due to the absence of conclusive functional and genetic evidence.

Ambry Genetics
Classification: Uncertain significance. Last evaluated: 2025-12-15. Review status: criteria provided, single submitter. Criteria: Ambry Variant Classification Scheme 2023. Collection method: clinical testing. Allele origin: germline.

NM_031308.4(EPPK1):c.80C>T (p.Ala27Val)

Gene: EPPK1 (epiplakin 1; minus strand). Cytogenetic location: 8q24.3.
Variant type: single nucleotide variant.
Coding change: c.80C>T on transcript NM_031308.4 (MANE Select); coding-DNA position 80, C replaced by T.
Protein change: p.Ala27Val; replaces alanine 27 with valine.
Molecular consequence: missense variant.
Genome position (GRCh38, 1-based): chr8:143,873,174, G>A on the plus strand (C>T on the coding strand, the complement: EPPK1 is on the minus strand). VCF-style: chr8-143873174-G-A. GRCh37 (hg19) VCF-style: chr8-144947342-G-A.
Other names: short protein forms A27V.
Identifiers: ClinVar variation 4834046 (VCV004834046.2).